The following is an entry in ClinVar:

NM_001999.4(FBN2):c.7256G>T (p.Gly2419Val)

Gene: FBN2 (fibrillin 2; minus strand). Cytogenetic location: 5q23.3.
Variant type: single nucleotide variant.
Coding change: c.7256G>T on transcript NM_001999.4 (MANE Select); coding-DNA position 7256, G replaced by T.
Protein change: p.Gly2419Val; replaces glycine 2419 with valine.
Molecular consequence: missense variant.
Genome position (GRCh38, 1-based): chr5:128,278,724, C>A on the plus strand (G>T on the coding strand, the complement: FBN2 is on the minus strand). VCF-style: chr5-128278724-C-A. GRCh37 (hg19) VCF-style: chr5-127614416-C-A.
Other names: short protein forms G2419V.
Identifiers: ClinVar variation 1307374 (VCV001307374.7), dbSNP rs762058983, ClinGen allele CA3394172.
Genomic context (GRCh38, chr5:128,278,724, plus strand): 5'-TGAGGACATATCTTTTTGTACTGGGCAGTTCCAGGAAGTGGGCAAAGCTCGCACTGGTGG[C>A]CCCAGCCTCGCCCACCATCACAGCAGCATTCTGACTTAGTGACGAGATTGCGACTACTGG-3'
Protein context (NP_001990.2, residues 2409-2429): ECCCDGGRGW[Gly2419Val]HQCELCPLPG

ClinVar aggregate classification (germline): Uncertain significance. Review status: criteria provided, multiple submitters, no conflicts (2 of 4 stars). 2 submissions from 2 submitters: Uncertain significance (2). Last evaluated 2025-11-17.

Conditions:
Congenital contractural arachnodactyly (CCA). Also called: Arthrogryposis, distal, type 9; BEALS SYNDROME; Beals-Hecht syndrome. Identifiers: Orphanet 115, MedGen C0220668, MONDO:0007363, OMIM 121050.

Allele frequency attached by ClinVar (database versions not stated): gnomAD exomes below 0.00001; TOPMed below 0.00001; ExAC 0.00001; gnomAD 0.00001.
gnomAD v4.1: 8 of 1,614,024 alleles (0.0005%); highest among the groups gnomAD compares: African/African-American, 0.0013%; no homozygotes.

Submissions (2):

Labcorp Genetics (formerly Invitae), Labcorp
Classification: Uncertain significance for Congenital contractural arachnodactyly. Last evaluated: 2025-11-17. Review status: criteria provided, single submitter. Criteria: Invitae Variant Classification Sherloc (09022015). Collection method: clinical testing. Allele origin: germline.
Comment: This sequence change replaces glycine, which is neutral and non-polar, with valine, which is neutral and non-polar, at codon 2419 of the FBN2 protein (p.Gly2419Val). This variant is present in population databases (rs762058983, gnomAD 0.0009%). This variant has not been reported in the literature in individuals affected with FBN2-related conditions. ClinVar contains an entry for this variant (Variation ID: 1307374). Invitae Evidence Modeling of protein sequence and biophysical properties (such as structural, functional, and spatial information, amino acid conservation, physicochemical variation, residue mobility, and thermodynamic stability) indicates that this missense variant is expected to disrupt FBN2 protein function with a positive predictive value of 80%. In summary, the available evidence is currently insufficient to determine the role of this variant in disease. Therefore, it has been classified as a Variant of Uncertain Significance.

GeneDx
Classification: Uncertain significance. Last evaluated: 2019-07-23. Review status: criteria provided, single submitter. Criteria: GeneDx Variant Classification Process June 2021. Collection method: clinical testing. Allele origin: germline. Affected: yes.
Comment: Has not been previously published as pathogenic or benign to our knowledge; Not observed at a significant frequency in large population cohorts (Lek et al., 2016); In silico analysis, which includes protein predictors and evolutionary conservation, supports a deleterious effect; Does not affect a cysteine residue within a calcium-binding EGF-like domain of the FBN2 gene; cysteine substitutions in the calcium-binding EGF-like domains represent the majority of pathogenic missense changes associated with FBN2-related disorders (Frederic et al., 2009)